The following is an entry in ClinVar:

NM_002941.4(ROBO1):c.3724C>G (p.Pro1242Ala)

Gene: ROBO1 (roundabout guidance receptor 1; minus strand). Cytogenetic location: 3p12.3.
Variant type: single nucleotide variant.
Coding change: c.3724C>G on transcript NM_002941.4 (MANE Select); coding-DNA position 3724, C replaced by G.
Protein change: p.Pro1242Ala; replaces proline 1242 with alanine.
Molecular consequence: missense variant.
Genome position (GRCh38, 1-based): chr3:78,627,472, G>C on the plus strand (C>G on the coding strand, the complement: ROBO1 is on the minus strand). VCF-style: chr3-78627472-G-C. GRCh37 (hg19) VCF-style: chr3-78676622-G-C.
Other names: c.3589C>G, p.Pro1197Ala (NM_001145844.1, NM_133631.4); c.3424C>G, p.Pro1142Ala (NM_001145845.2); short protein forms P1142A, P1242A, P1197A.
Identifiers: ClinVar variation 2153506 (VCV002153506.4), dbSNP rs752340117, ClinGen allele CA2498284.

ClinVar aggregate classification (germline): Uncertain significance (1 of 4 stars; one submission).

Allele frequency attached by ClinVar (database versions not stated): gnomAD 0.00001; gnomAD exomes 0.00004; TOPMed 0.00008; ExAC 0.00011.
gnomAD v4.1: 25 of 1,613,068 alleles (0.0015%); highest among the groups gnomAD compares: Admixed American, 0.035%; no homozygotes.

Submission:

Labcorp Genetics (formerly Invitae), Labcorp
Classification: Uncertain significance. Last evaluated: 2024-06-17. Review status: criteria provided, single submitter. Criteria: Invitae Variant Classification Sherloc (09022015). Collection method: clinical testing. Allele origin: germline.
Comment: This sequence change replaces proline, which is neutral and non-polar, with alanine, which is neutral and non-polar, at codon 1242 of the ROBO1 protein (p.Pro1242Ala). This variant is present in population databases (rs752340117, gnomAD 0.06%). This missense change has been observed in individual(s) with ROBO1-related conditions (PMID: 33532864). ClinVar contains an entry for this variant (Variation ID: 2153506). An algorithm developed to predict the effect of missense changes on protein structure and function (PolyPhen-2) suggests that this variant is likely to be disruptive. In summary, the available evidence is currently insufficient to determine the role of this variant in disease. Therefore, it has been classified as a Variant of Uncertain Significance.

Literature cited by the submitters: PubMed 33532864.